The following is an entry in ClinVar:

ClinVar aggregate classification (germline): Pathogenic (1 of 4 stars; one submission).

Submission:

Labcorp Genetics (formerly Invitae), Labcorp
Classification: Pathogenic. Last evaluated: 2019-10-28. Review status: criteria provided, single submitter. Criteria: Invitae Variant Classification Sherloc (09022015). Collection method: clinical testing. Allele origin: germline.
Comment: This variant is a gross deletion of the genomic region encompassing exons 1-5 of the PHEX gene, which includes the initiator codon. The 5' end of this event is unknown as it extends beyond the assayed region for this gene and therefore may encompass additional genes. The 3' boundary is likely confined to intron 5 of the PHEX gene. This is expected to result in an absent or disrupted protein product. This variant has not been reported in the literature in individuals with PHEX-related conditions. Loss-of-function variants in PHEX are known to be pathogenic (PMID: 9097956, 9106524, 19219621). For these reasons, this variant has been classified as Pathogenic.

NC_000023.11:g.(?_21977061)_(22077702_?)del

Genes: PHEX (phosphate regulating endopeptidase X-linked; plus strand), SMS (spermine synthase; plus strand). Cytogenetic location: Xp22.11.
Variant type: Deletion.
Identifiers: ClinVar variation 831043 (VCV000831043.1).